The following is an entry in ClinVar:

NM_001267550.2(TTN):c.32624C>T (p.Pro10875Leu)

Gene: TTN (titin; minus strand). Cytogenetic location: 2q31.2.
Variant type: single nucleotide variant.
Coding change: c.32624C>T on transcript NM_001267550.2 (MANE Select); coding-DNA position 32624, C replaced by T.
Protein change: p.Pro10875Leu; replaces proline 10875 with leucine.
Molecular consequence: missense variant. On other transcripts: intron variant (3).
Genome position (GRCh38, 1-based): chr2:178,684,680, G>A on the plus strand (C>T on the coding strand, the complement: TTN is on the minus strand). VCF-style: chr2-178684680-G-A. GRCh37 (hg19) VCF-style: chr2-179549407-G-A.
Other names: p.P9631L:CCT>CTT; c.31673C>T, p.Pro10558Leu (NM_001256850.1); c.28892C>T, p.Pro9631Leu (NM_133378.4); c.13283-42363C>T (NM_003319.4); c.13859-42363C>T (NM_133437.4); c.13658-42363C>T (NM_133432.3); short protein forms P10875L, P9631L, P10558L.
Identifiers: ClinVar variation 46873 (VCV000046873.89), dbSNP rs72650031, ClinGen allele CA139407.

ClinVar aggregate classification (germline): Conflicting classifications of pathogenicity. Review status: criteria provided, conflicting classifications (1 of 4 stars). 27 submissions from 23 submitters: Uncertain significance (2); Benign (14); Likely benign (7). 4 of the submissions do not count toward it. Last evaluated 2026-09-01.

Conditions:
Cardiovascular phenotype. Identifiers: MedGen CN230736.
Ventricular tachycardia. Identifiers: MedGen C0042514, MONDO:0005477, HP:0004756.
Brugada syndrome. Also called: Sudden unexpected nocturnal death syndrome; Sudden unexplained nocturnal death syndrome; Sudden Unexplained Death Syndrome; Sudden Unexplained Nocturnal Death Syndrome (SUNDS). Identifiers: Orphanet 130, MedGen C1142166, MONDO:0015263.
Supraventricular tachycardia. Identifiers: MedGen C0039240, HP:0004755.
Dilated cardiomyopathy 1G (CMD1G). Identifiers: Orphanet 154, MedGen C1858763, MONDO:0011400, OMIM 604145.
Autosomal recessive limb-girdle muscular dystrophy type 2J (LGMDR10). Also called: MUSCULAR DYSTROPHY, LIMB-GIRDLE, AUTOSOMAL RECESSIVE 10; Limb-girdle muscular dystrophy, type 2J. Identifiers: Orphanet 140922, MedGen C1837342, MONDO:0012127, OMIM 608807.
Limb-girdle muscular dystrophy (LGMD). Also called: Muscular Dystrophies, Limb-Girdle. Identifiers: Orphanet 263, MedGen C0686353, MeSH D049288, MONDO:0016971, HP:0006785.
Cardiomyopathy (CMYO). Also called: Cardiomyopathies. Identifiers: Orphanet 167848, MedGen C0878544, MONDO:0004994, HP:0001638. Inheritance: Various modes of inheritance.
Early-onset myopathy with fatal cardiomyopathy (CMYO5). Also called: CONGENITAL MYOPATHY 5 WITH CARDIOMYOPATHY; Salih Myopathy. Identifiers: Orphanet 289377, MedGen C2673677, MONDO:0012714, OMIM 611705. Disease mechanism: loss of function.
Myopathy, myofibrillar, 9, with early respiratory failure (MFM9). Also called: Myopathy, distal, with early respiratory failure, autosomal dominant; Hereditary myopathy with early respiratory failure; MYOPATHY, PROXIMAL, WITH EARLY RESPIRATORY MUSCLE INVOLVEMENT; EDSTROM MYOPATHY. Identifiers: Orphanet 178464, Orphanet 34521, MedGen C1863599, MONDO:0011362, OMIM 603689.
Tibial muscular dystrophy (TMD). Also called: Udd Distal Myopathy – Tibial Muscular Dystrophy; Tibial muscular dystrophy, tardive; UDD MYOPATHY. Identifiers: Orphanet 609, MedGen C1838244, MONDO:0010870, OMIM 600334.

Allele frequency attached by ClinVar (database versions not stated): 1000 Genomes Project 0.00180; 1000 Genomes Project 30x 0.00203; ExAC 0.00506; ESP Exome Variant Server 0.00431; TOPMed 0.00435; gnomAD exomes 0.00544 and 0.00616.
gnomAD v4.1: 9,752 of 1,609,214 alleles (0.61%); highest among the groups gnomAD compares: Middle Eastern, 1.4%; 55 homozygotes.

Submissions 1 to 15 of 27:

CeGaT Center for Human Genetics Tuebingen
Classification: Likely benign. Last evaluated: 2026-09-01. Review status: criteria provided, single submitter. Criteria: CeGaT Center For Human Genetics Tuebingen Variant Classification Criteria Version 2. Collection method: clinical testing. Allele origin: germline. Affected: yes. Observed: 133 variant alleles.
Comment: TTN: BP4, BS2

Labcorp Genetics (formerly Invitae), Labcorp
Classification: Benign for Dilated cardiomyopathy 1G; Autosomal recessive limb-girdle muscular dystrophy type 2J. Last evaluated: 2026-02-04. Review status: criteria provided, single submitter. Criteria: Invitae Variant Classification Sherloc (09022015). Collection method: clinical testing. Allele origin: germline.

ARUP Laboratories, Molecular Genetics and Genomics, ARUP Laboratories
Classification: Benign. Last evaluated: 2025-04-24. Review status: criteria provided, single submitter. Criteria: ARUP Molecular Germline Variant Investigation Process 2024. Collection method: clinical testing. Allele origin: germline.

Molecular Diagnostic Laboratory for Inherited Cardiovascular Disease, Montreal Heart Institute
Classification: Benign. Last evaluated: 2025-04-09. Review status: criteria provided, single submitter. Criteria: ACMG Guidelines, 2015. Collection method: clinical testing. Allele origin: germline. Affected: no.

Blueprint Genetics
Classification: Benign. Last evaluated: 2024-11-18. Review status: criteria provided, single submitter. Criteria: ACMG Guidelines, 2015. Collection method: clinical testing. Allele origin: germline.

Athena Diagnostics
Classification: Benign. Last evaluated: 2024-01-29. Review status: criteria provided, single submitter. Criteria: Athena Diagnostics Criteria. Collection method: clinical testing. Allele origin: unknown.

Mayo Clinic Laboratories, Mayo Clinic
Classification: Benign. Last evaluated: 2023-11-06. Review status: criteria provided, single submitter. Criteria: ACMG Guidelines, 2015. Collection method: clinical testing. Allele origin: germline. Observed: 32 variant alleles.

Women's Health and Genetics/Laboratory Corporation of America, LabCorp
Classification: Benign. Last evaluated: 2019-08-13. Review status: criteria provided, single submitter. Criteria: LabCorp Variant Classification Summary - May 2015. Collection method: clinical testing. Allele origin: germline.
Comment: Variant summary: TTN c.28892C>T (p.Pro9631Leu) results in a non-conservative amino acid change located in the I-band region of the encoded protein sequence. Three of five in-silico tools predict a damaging effect of the variant on protein function. The variant allele was found at a frequency of 0.0054 in 244514 control chromosomes, predominantly at a frequency of 0.0065 within the Non-Finnish European subpopulation in the gnomAD database, including 4 homozygotes. The observed variant frequency within Non-Finnish European control individuals in the gnomAD database is approximately 10 fold of the estimated maximal expected allele frequency for a pathogenic variant in TTN causing Cardiomyopathy phenotype (0.00063), strongly suggesting that the variant is a benign polymorphism found primarily in populations of Non-Finnish European origin. c.28892C>T has been reported in the literature in individuals affected with hypertrophic and dilated Cardiomyopathies (HCM/DCM) as well as ARVC, SUD, SUD/SIDS and CPVT (Pugh_2014, Lopes_2013, Campuzano_2015). These report(s) do not provide unequivocal conclusions about association of the variant with Cardiomyopathy. Co-occurrences with other pathogenic variant(s) that explained the clinical indication of testing have been reported (TTN c.81493_81493+2delGGT, p.?, Pugh_2014; and MYH7 c.1063G>A, p.Ala355Thr, Lopes_2013), providing supporting evidence for a benign role. To our knowledge, no experimental evidence demonstrating an impact on protein function has been reported. Seven clinical diagnostic laboratories have submitted clinical-significance assessments for this variant to ClinVar after 2014 without evidence for independent evaluation. Six of these submitters reported a classification as benign (n=3)/likely benign (n=3). Based on the evidence outlined above, the variant was classified as benign.

Cambridge Genomics Laboratory, East Genomic Laboratory Hub, NHS Genomic Medicine Service
Classification: Likely benign for Limb-girdle muscular dystrophy. Last evaluated: 2019-04-17. Review status: criteria provided, single submitter. Criteria: ACGS Best Practice Guidelines for Variant Classification in Rare Disease 2020. Collection method: clinical testing. Allele origin: germline. Affected: yes. Observed: 1 variant allele.

Center for Advanced Laboratory Medicine, UC San Diego Health, University of California San Diego
Classification: Benign for Ventricular tachycardia; Brugada syndrome; Supraventricular tachycardia. Last evaluated: 2019-03-26. Review status: criteria provided, single submitter. Criteria: ACMG Guidelines, 2015. Collection method: clinical testing. Allele origin: germline. Affected: yes. Observed: 2 variant alleles.

CHEO Genetics Diagnostic Laboratory, Children's Hospital of Eastern Ontario
Classification: Benign for Cardiomyopathy. Last evaluated: 2018-06-26. Review status: criteria provided, single submitter. Criteria: ACMG Guidelines, 2015. Collection method: clinical testing. Allele origin: germline.

Illumina Laboratory Services, Illumina
Classification: Uncertain significance for Early-onset myopathy with fatal cardiomyopathy. Last evaluated: 2018-01-13. Review status: criteria provided, single submitter. Criteria: ICSL Variant Classification Criteria 13 December 2019. Collection method: clinical testing. Allele origin: germline.

Illumina Laboratory Services, Illumina
Classification: Uncertain significance for Autosomal recessive limb-girdle muscular dystrophy type 2J. Last evaluated: 2018-01-13. Review status: criteria provided, single submitter. Criteria: ICSL Variant Classification Criteria 13 December 2019. Collection method: clinical testing. Allele origin: germline.

Illumina Laboratory Services, Illumina
Classification: Benign for Myopathy, myofibrillar, 9, with early respiratory failure. Last evaluated: 2018-01-13. Review status: criteria provided, single submitter. Criteria: ICSL Variant Classification Criteria 13 December 2019. Collection method: clinical testing. Allele origin: germline.
Comment: This variant was observed in the ICSL laboratory as part of a predisposition screen in an ostensibly healthy population. It had not been previously curated by ICSL or reported in the Human Gene Mutation Database (HGMD: prior to June 1st, 2018), and was therefore a candidate for classification through an automated scoring system. Utilizing variant allele frequency, disease prevalence and penetrance estimates, and inheritance mode, an automated score was calculated to assess if this variant is too frequent to cause the disease. Based on the score and internal cut-off values, a variant classified as benign is not then subjected to further curation. The score for this variant resulted in a classification of benign for this disease.

Illumina Laboratory Services, Illumina
Classification: Benign for Tibial muscular dystrophy. Last evaluated: 2018-01-13. Review status: criteria provided, single submitter. Criteria: ICSL Variant Classification Criteria 13 December 2019. Collection method: clinical testing. Allele origin: germline.
Comment: the same text as in the submission from Illumina Laboratory Services, Illumina above.